The following is an entry in ClinVar:

ClinVar aggregate classification (germline): Conflicting classifications of pathogenicity. Review status: criteria provided, conflicting classifications (1 of 4 stars). 4 submissions from 4 submitters: Uncertain significance (3); Likely benign (1). Last evaluated 2026-01-28.

Conditions:
Inborn genetic diseases. Identifiers: MedGen C0950123, MeSH D030342.
Rhizomelic chondrodysplasia punctata type 2 (RCDP2). Also called: DIHYDROXYACETONEPHOSPHATE ACYLTRANSFERASE DEFICIENCY; glyceronephosphate O-acyltransferase (GNPAT) deficiency; Glyceronephosphate O-acyltransferase deficiency; DHAPAT DEFICIENCY; PEROXISOMAL DIHYDROXYACETONEPHOSPHATE ACYLTRANSFERASE DEFICIENCY; Chondrodysplasia punctata, rhizomelic, due to dihydroxyacetonephosphate acyltransferase deficiency. Identifiers: Orphanet 177, Orphanet 309796, MedGen C1857242, MONDO:0100273, OMIM 222765. Disease mechanism: loss of function.

Allele frequency attached by ClinVar (database versions not stated): 1000 Genomes Project 30x 0.00016; gnomAD 0.00036 and 0.00038; TOPMed 0.00035; gnomAD exomes 0.00045 and 0.00067; ESP Exome Variant Server 0.00069; 1000 Genomes Project 0.00020; ExAC 0.00052.
gnomAD v4.1: 1,017 of 1,612,144 alleles (0.063%); highest among the groups gnomAD compares: South Asian, 0.098%; 2 homozygotes.

Submissions (4):

Labcorp Genetics (formerly Invitae), Labcorp
Classification: Likely benign. Last evaluated: 2026-01-28. Review status: criteria provided, single submitter. Criteria: Invitae Variant Classification Sherloc (09022015). Collection method: clinical testing. Allele origin: germline.

Ambry Genetics
Classification: Uncertain significance for Inborn genetic diseases. Last evaluated: 2023-12-27. Review status: criteria provided, single submitter. Criteria: Ambry Variant Classification Scheme 2023. Collection method: clinical testing. Allele origin: germline.

ARUP Laboratories, Molecular Genetics and Genomics, ARUP Laboratories
Classification: Uncertain significance for Rhizomelic chondrodysplasia punctata type 2. Last evaluated: 2018-12-10. Review status: criteria provided, single submitter. Criteria: ARUP Molecular Germline Variant Investigation Process. Collection method: clinical testing. Allele origin: germline.
Comment: The GNPAT c.1892C>T; p.Ala631Val variant (rs142487190), to our knowledge, is not reported in the medical literature but is reported in ClinVar (Variation ID: 296136). This variant is found in the general population with an overall allele frequency of 0.045% (127/282,828 alleles, including a single homozygote) in the Genome Aggregation Database. The alanine at codon 631 is highly conserved, but computational analyses (SIFT, PolyPhen-2) predict that this variant is tolerated. Due to limited information, the clinical significance of the p.Ala631Val variant is uncertain at this time.

Illumina Laboratory Services, Illumina
Classification: Uncertain significance for Rhizomelic chondrodysplasia punctata type 2. Last evaluated: 2018-01-13. Review status: criteria provided, single submitter. Criteria: ICSL Variant Classification Criteria 13 December 2019. Collection method: clinical testing. Allele origin: germline.

NM_014236.4(GNPAT):c.1892C>T (p.Ala631Val)

Gene: GNPAT (glyceronephosphate O-acyltransferase; plus strand). Cytogenetic location: 1q42.2.
Variant type: single nucleotide variant.
Coding change: c.1892C>T on transcript NM_014236.4 (MANE Select); coding-DNA position 1892, C replaced by T.
Protein change: p.Ala631Val; replaces alanine 631 with valine.
Molecular consequence: missense variant.
Genome position (GRCh38, 1-based): chr1:231,275,453, C>T. VCF-style: chr1-231275453-C-T. GRCh37 (hg19) VCF-style: chr1-231411199-C-T.
Other names: c.1709C>T, p.Ala570Val (NM_001316350.2); short protein forms A631V, A570V.
Identifiers: ClinVar variation 296136 (VCV000296136.22), dbSNP rs142487190, ClinGen allele CA1452160.